The following is an entry in ClinVar:

ClinVar aggregate classification (germline): Uncertain significance. Review status: criteria provided, single submitter (1 of 4 stars). 2 submissions from 2 submitters: Uncertain significance (1). 1 of the submissions does not count toward it. Last evaluated 2022-12-15.

Allele frequency attached by ClinVar (database versions not stated): gnomAD exomes 0.00003; gnomAD 0.00014.
gnomAD v4.1: 70 of 1,549,608 alleles (0.0045%); highest among the groups gnomAD compares: African/African-American, 0.059%; no homozygotes.

Submissions (2):

GeneDx
Classification: Uncertain significance. Last evaluated: 2022-12-15. Review status: criteria provided, single submitter. Criteria: GeneDx Variant Classification Process June 2021. Collection method: clinical testing. Allele origin: germline.
Comment: In silico analysis supports that this missense variant does not alter protein structure/function; Has not been previously published as pathogenic or benign to our knowledge

Department of Pathology and Laboratory Medicine, Sinai Health System
Classification: Uncertain significance. Review status: no assertion criteria provided. Collection method: clinical testing. Allele origin: unknown. Affected: yes. Study: The Canadian Open Genetics Repository (COGR). Not counted in ClinVar's aggregate classification.
Comment: The PTPRQ p.Arg348Cys variant was not identified in the literature nor was it identified in ClinVar, Cosmic or LOVD 3.0. The variant was identified in dbSNP (ID: rs112718610) and in control databases in 7 of 183652 chromosomes at a frequency of 0.00003812 (Genome Aggregation Database March 6, 2019, v2.1.1). The variant was observed in the following populations: Other in 2 of 5382 chromosomes (freq: 0.000372), African in 4 of 16546 chromosomes (freq: 0.000242) and Latino in 1 of 24910 chromosomes (freq: 0.00004), but was not observed in the Ashkenazi Jewish, East Asian, European (Finnish), European (non-Finnish), or South Asian populations. The p.Arg348 residue has limited species conservation data and computational analyses (AlignGVGD, BLOSUM, MutationTaster) provide inconsistent predictions regarding the impact to the protein. The variant occurs outside of the splicing consensus sequence and in silico or computational prediction software programs (SpliceSiteFinder, MaxEntScan, NNSPLICE, GeneSplicer) do not predict a difference in splicing. In summary, based on the above information the clinical significance of this variant cannot be determined with certainty at this time. This variant is classified as a variant of uncertain significance.

NM_001145026.2(PTPRQ):c.1042C>T (p.Arg348Cys)

Gene: PTPRQ (protein tyrosine phosphatase receptor type Q; plus strand). Cytogenetic location: 12q21.31.
Variant type: single nucleotide variant.
Coding change: c.1042C>T on transcript NM_001145026.2 (MANE Select); coding-DNA position 1042, C replaced by T.
Protein change: p.Arg348Cys; replaces arginine 348 with cysteine.
Molecular consequence: missense variant.
Genome position (GRCh38, 1-based): chr12:80,472,107, C>T. VCF-style: chr12-80472107-C-T. GRCh37 (hg19) VCF-style: chr12-80865886-C-T.
Other names: short protein forms R348C.
Identifiers: ClinVar variation 1049957 (VCV001049957.4), dbSNP rs112718610, ClinGen allele CA240237396.